The following is an entry in ClinVar:

ClinVar aggregate classification (germline): Pathogenic. Review status: criteria provided, multiple submitters, no conflicts (2 of 4 stars). 4 submissions from 4 submitters: Pathogenic (3). 1 of the submissions does not count toward it. Last evaluated 2025-07-08.

Conditions:
DSG1-related disorders.
Palmoplantar keratoderma i, striate, focal, or diffuse. Also called: STRIATE PALMOPLANTAR KERATODERMA I; PALMOPLANTAR KERATODERMA I, STRIATE OR DIFFUSE; PALMOPLANTAR KERATODERMA I, FOCAL; KERATODERMA, PALMOPLANTAR, STRIATE FORM I; Keratosis Palmoplantaris Striata I, AD; KERATOSIS PALMOPLANTARIS STRIATA I. Identifiers: Orphanet 369999, Orphanet 370002, MedGen C2931122, MONDO:0007859, OMIM 148700.

Allele frequency attached by ClinVar (database versions not stated): gnomAD exomes below 0.00001.
gnomAD v4.1: 2 of 1,602,986 alleles (0.00012%); highest among the groups gnomAD compares: Non-Finnish European, 0.00017%; no homozygotes.

Submissions (4):

GeneDx
Classification: Pathogenic. Last evaluated: 2025-07-08. Review status: criteria provided, single submitter. Criteria: GeneDx Variant Classification Process June 2021. Collection method: clinical testing. Allele origin: germline. Affected: yes.
Comment: Nonsense variant predicted to result in protein truncation or nonsense mediated decay in a gene for which loss of function is a known mechanism of disease; Not observed at significant frequency in large population cohorts (gnomAD); This variant is associated with the following publications: (PMID: 25525159, 11313759, 27534273, 15897387, 19157795)

Labcorp Genetics (formerly Invitae), Labcorp
Classification: Pathogenic. Last evaluated: 2025-05-29. Review status: criteria provided, single submitter. Criteria: Invitae Variant Classification Sherloc (09022015). Collection method: clinical testing. Allele origin: germline.
Comment: This sequence change creates a premature translational stop signal (p.Arg26*) in the DSG1 gene. It is expected to result in an absent or disrupted protein product. Loss-of-function variants in DSG1 are known to be pathogenic (PMID: 19018793, 23974871, 27534273, 27632246, 29604126). This variant is not present in population databases (gnomAD no frequency). This premature translational stop signal has been observed in individual(s) with palmoplantar keratoderma (PMID: 27534273). ClinVar contains an entry for this variant (Variation ID: 88657). For these reasons, this variant has been classified as Pathogenic.

Blueprint Genetics
Classification: Pathogenic for DSG1-related disorders. Last evaluated: 2018-08-10. Review status: criteria provided, single submitter. Criteria: ACMG Guidelines, 2015. Collection method: clinical testing. Allele origin: germline. Affected: yes. Observed: 1 variant allele.

OMIM
Classification: Pathogenic for PALMOPLANTAR KERATODERMA I, STRIATE OR DIFFUSE. Last evaluated: 2009-03-01. Review status: no assertion criteria provided. Collection method: literature only. Allele origin: germline. Not counted in ClinVar's aggregate classification.

Literature cited by the submitters: PubMed 19018793 (cited by Labcorp Genetics (formerly Invitae), Labcorp); PubMed 23974871 (cited by Labcorp Genetics (formerly Invitae), Labcorp); PubMed 27534273 (cited by Labcorp Genetics (formerly Invitae), Labcorp); PubMed 27632246 (cited by Labcorp Genetics (formerly Invitae), Labcorp); PubMed 29604126 (cited by Labcorp Genetics (formerly Invitae), Labcorp); PubMed 11313759 (cited by OMIM); PubMed 15897387 (cited by OMIM); PubMed 19157795 (cited by OMIM).

NM_001942.4(DSG1):c.76C>T (p.Arg26Ter)

Gene: DSG1 (desmoglein 1; plus strand). Cytogenetic location: 18q12.1.
Variant type: single nucleotide variant.
Coding change: c.76C>T on transcript NM_001942.4 (MANE Select); coding-DNA position 76, C replaced by T.
Protein change: p.Arg26Ter; replaces arginine 26 with a stop codon.
Molecular consequence: nonsense.
Genome position (GRCh38, 1-based): chr18:31,326,608, C>T. VCF-style: chr18-31326608-C-T. GRCh37 (hg19) VCF-style: chr18-28906571-C-T.
Other names: short protein forms R26*.
Identifiers: ClinVar variation 88657 (VCV000088657.5), dbSNP rs397515639, ClinGen allele CA145276.
Genomic context (GRCh38, chr18:31,326,608, plus strand): 5'-AAATAACTAGTGTGATTATCTTATTTTTTACAGGTGGTGGTAGAAGTTAACAGTGAATTC[C>T]GAATCCAGGTAATATATAACAAATCCATTTTTCCAAATTTTTAAACAAGAAAATAATTTG-3'